The following is an entry in ClinVar:

ClinVar aggregate classification (germline): Uncertain significance (1 of 4 stars; one submission).

Conditions:
Combined malonic and methylmalonic acidemia. Identifiers: Orphanet 289504, MedGen C3280314, MONDO:0013661, OMIM 614265.

Submission:

Labcorp Genetics (formerly Invitae), Labcorp
Classification: Uncertain significance for Combined malonic and methylmalonic acidemia. Last evaluated: 2026-01-25. Review status: criteria provided, single submitter. Criteria: Invitae Variant Classification Sherloc (09022015). Collection method: clinical testing. Allele origin: germline.
Comment: This sequence change replaces asparagine, which is neutral and polar, with lysine, which is basic and polar, at codon 252 of the ACSF3 protein (p.Asn252Lys). This variant is not present in population databases (gnomAD no frequency). This variant has not been reported in the literature in individuals affected with ACSF3-related conditions. Invitae Evidence Modeling of protein sequence and biophysical properties (such as structural, functional, and spatial information, amino acid conservation, physicochemical variation, residue mobility, and thermodynamic stability) indicates that this missense variant is expected to disrupt ACSF3 protein function with a positive predictive value of 95%. In summary, the available evidence is currently insufficient to determine the role of this variant in disease. Therefore, it has been classified as a Variant of Uncertain Significance.

NM_001243279.3(ACSF3):c.756C>G (p.Asn252Lys)

Gene: ACSF3 (acyl-CoA synthetase family member 3; plus strand). Cytogenetic location: 16q24.3.
Variant type: single nucleotide variant.
Coding change: c.756C>G on transcript NM_001243279.3 (MANE Select); coding-DNA position 756, C replaced by G.
Protein change: p.Asn252Lys; replaces asparagine 252 with lysine.
Molecular consequence: missense variant. On other transcripts: 5 prime UTR variant (1), non-coding transcript variant (3).
Genome position (GRCh38, 1-based): chr16:89,102,693, C>G. VCF-style: chr16-89102693-C-G. GRCh37 (hg19) VCF-style: chr16-89169101-C-G.
Other names: c.756C>G, p.Asn252Lys (NM_001127214.4, NM_174917.5); c.-40C>G (NM_001284316.2); short protein forms N252K.
Identifiers: ClinVar variation 4740731 (VCV004740731.1).